The following is an entry in ClinVar:

ClinVar aggregate classification (germline): Uncertain significance (1 of 4 stars; one submission).

Conditions:
Gnathodiaphyseal dysplasia (GDD). Also called: GNATHODIAPHYSEAL SCLEROSIS; OSTEOGENESIS IMPERFECTA WITH UNUSUAL SKELETAL LESIONS. Identifiers: Orphanet 53697, MedGen C1833736, MONDO:0008151, OMIM 166260.
Autosomal recessive limb-girdle muscular dystrophy type 2L (LGMDR12). Also called: Limb-girdle muscular dystrophy, type 2L; MUSCULAR DYSTROPHY, LIMB-GIRDLE, AUTOSOMAL RECESSIVE 12; Limb-Girdle Muscular Dystrophy R12 Anoctamin-5-Related (LGMD-R12). Identifiers: Orphanet 206549, MedGen C1969785, MONDO:0012652, OMIM 611307.

gnomAD v4.1: 1 of 1,613,416 alleles (0.000062%); highest among the groups gnomAD compares: Non-Finnish European, 0.000085%; no homozygotes.

Submission:

Labcorp Genetics (formerly Invitae), Labcorp
Classification: Uncertain significance for Autosomal recessive limb-girdle muscular dystrophy type 2L; Gnathodiaphyseal dysplasia. Last evaluated: 2025-12-01. Review status: criteria provided, single submitter. Criteria: Invitae Variant Classification Sherloc (09022015). Collection method: clinical testing. Allele origin: germline.
Comment: This sequence change replaces isoleucine, which is neutral and non-polar, with leucine, which is neutral and non-polar, at codon 201 of the ANO5 protein (p.Ile201Leu). This variant is not present in population databases (gnomAD no frequency). This variant has not been reported in the literature in individuals affected with ANO5-related conditions. Invitae Evidence Modeling of protein sequence and biophysical properties (such as structural, functional, and spatial information, amino acid conservation, physicochemical variation, residue mobility, and thermodynamic stability) has been performed for this missense variant. However, the output from this modeling did not meet the statistical confidence thresholds required to predict the impact of this variant on ANO5 protein function. In summary, the available evidence is currently insufficient to determine the role of this variant in disease. Therefore, it has been classified as a Variant of Uncertain Significance.

NM_213599.3(ANO5):c.601A>C (p.Ile201Leu)

Gene: ANO5 (anoctamin 5; plus strand). Cytogenetic location: 11p14.3.
Variant type: single nucleotide variant.
Coding change: c.601A>C on transcript NM_213599.3 (MANE Select); coding-DNA position 601, A replaced by C.
Protein change: p.Ile201Leu; replaces isoleucine 201 with leucine.
Molecular consequence: missense variant.
Genome position (GRCh38, 1-based): chr11:22,227,539, A>C. VCF-style: chr11-22227539-A-C. GRCh37 (hg19) VCF-style: chr11-22249085-A-C.
Other names: c.598A>C, p.Ile200Leu (NM_001142649.2); c.559A>C, p.Ile187Leu (NM_001410963.1, NM_001441298.1, NM_001441300.1); c.556A>C, p.Ile186Leu (NM_001410964.1, NM_001441299.1, NM_001441301.1); c.523A>C, p.Ile175Leu (NM_001441294.1); c.520A>C, p.Ile174Leu (NM_001441295.1); c.508A>C, p.Ile170Leu (NM_001441296.1, NM_001441302.1); c.481A>C, p.Ile161Leu (NM_001441297.1); short protein forms I170L, I174L, I186L, I200L, I175L, I187L, I161L, I201L.
Identifiers: ClinVar variation 4791341 (VCV004791341.1).